The following is an entry in ClinVar:

ClinVar aggregate classification (germline): Uncertain significance. Review status: criteria provided, multiple submitters, no conflicts (2 of 4 stars). 2 submissions from 2 submitters: Uncertain significance (2). Last evaluated 2026-03-01.

Allele frequency attached by ClinVar (database versions not stated): gnomAD exomes below 0.00001; ExAC 0.00001.
gnomAD v4.1: 2 of 1,613,988 alleles (0.00012%); highest among the groups gnomAD compares: Admixed American, 0.0033%; no homozygotes.

Submissions (2):

CeGaT Center for Human Genetics Tuebingen
Classification: Uncertain significance. Last evaluated: 2026-03-01. Review status: criteria provided, single submitter. Criteria: CeGaT Center For Human Genetics Tuebingen Variant Classification Criteria Version 2. Collection method: clinical testing. Allele origin: germline. Affected: yes. Observed: 1 variant allele.
Comment: PTH1R: PM2, BP4

Labcorp Genetics (formerly Invitae), Labcorp
Classification: Uncertain significance. Last evaluated: 2021-03-21. Review status: criteria provided, single submitter. Criteria: Invitae Variant Classification Sherloc (09022015). Collection method: clinical testing. Allele origin: germline.
Comment: In summary, the available evidence is currently insufficient to determine the role of this variant in disease. Therefore, it has been classified as a Variant of Uncertain Significance. Algorithms developed to predict the effect of missense changes on protein structure and function (SIFT, PolyPhen-2, Align-GVGD) all suggest that this variant is likely to be disruptive, but these predictions have not been confirmed by published functional studies and their clinical significance is uncertain. This variant has not been reported in the literature in individuals with PTH1R-related conditions. This variant is present in population databases (rs749330849, ExAC 0.009%). This sequence change replaces glycine with arginine at codon 562 of the PTH1R protein (p.Gly562Arg). The glycine residue is highly conserved and there is a moderate physicochemical difference between glycine and arginine.

NM_000316.3(PTH1R):c.1684G>A (p.Gly562Arg)

Gene: PTH1R (parathyroid hormone 1 receptor; plus strand). Cytogenetic location: 3p21.31.
Variant type: single nucleotide variant.
Coding change: c.1684G>A on transcript NM_000316.3 (MANE Select); coding-DNA position 1684, G replaced by A.
Protein change: p.Gly562Arg; replaces glycine 562 with arginine.
Molecular consequence: missense variant.
Genome position (GRCh38, 1-based): chr3:46,903,558, G>A. VCF-style: chr3-46903558-G-A. GRCh37 (hg19) VCF-style: chr3-46945048-G-A.
Other names: c.1684G>A, p.Gly562Arg (NM_001184744.1); short protein forms G562R.
Identifiers: ClinVar variation 1475063 (VCV001475063.12), dbSNP rs749330849, ClinGen allele CA2359605.